The following is an entry in ClinVar:

ClinVar aggregate classification (germline): Benign/Likely benign. Review status: criteria provided, single submitter (1 of 4 stars). 2 submissions from 1 submitter: Benign (1); Likely benign (1). Last evaluated 2018-01-12.

Conditions:
Congenital myopathy with fiber type disproportion. Also called: Congenital fiber-type disproportion myopathy; Congenital fiber-type disproportion. Identifiers: Orphanet 2020, MedGen C0546264, MONDO:0009711. Inheritance: all.
Congenital myopathy 4B, autosomal recessive. Also called: Nemaline myopathy 1, autosomal dominant or recessive. Identifiers: Orphanet 171433, Orphanet 171439, Orphanet 171881, MedGen C5829889, MONDO:0012239, OMIM 609284.

Allele frequency attached by ClinVar (database versions not stated): 1000 Genomes Project 30x 0.00562; 1000 Genomes Project 0.00619; gnomAD 0.00760 and 0.00816; TOPMed 0.00824.
gnomAD v4.1: 1,146 of 152,306 alleles (0.75%); highest among the groups gnomAD compares: African/African-American, 2.6%; 13 homozygotes.

Submissions (2):

Illumina Laboratory Services, Illumina
Classification: Likely benign for Congenital myopathy 4B, autosomal recessive. Last evaluated: 2018-01-12. Review status: criteria provided, single submitter. Criteria: ICSL Variant Classification Criteria 13 December 2019. Collection method: clinical testing. Allele origin: germline.
Comment: This variant was observed in the ICSL laboratory as part of a predisposition screen in an ostensibly healthy population. It had not been previously curated by ICSL or reported in the Human Gene Mutation Database (HGMD: prior to June 1st, 2018), and was therefore a candidate for classification through an automated scoring system. Utilizing variant allele frequency, disease prevalence and penetrance estimates, and inheritance mode, an automated score was calculated to assess if this variant is too frequent to cause the disease. Based on the score and internal cut-off values, a variant classified as likely benign is not then subjected to further curation. The score for this variant resulted in a classification of likely benign for this disease.

Illumina Laboratory Services, Illumina
Classification: Benign for Congenital myopathy 4A, autosomal dominant. Last evaluated: 2018-01-12. Review status: criteria provided, single submitter. Criteria: ICSL Variant Classification Criteria 13 December 2019. Collection method: clinical testing. Allele origin: germline.
Comment: This variant was observed in the ICSL laboratory as part of a predisposition screen in an ostensibly healthy population. It had not been previously curated by ICSL or reported in the Human Gene Mutation Database (HGMD: prior to June 1st, 2018), and was therefore a candidate for classification through an automated scoring system. Utilizing variant allele frequency, disease prevalence and penetrance estimates, and inheritance mode, an automated score was calculated to assess if this variant is too frequent to cause the disease. Based on the score and internal cut-off values, a variant classified as benign is not then subjected to further curation. The score for this variant resulted in a classification of benign for this disease.

NM_152263.4(TPM3):c.*5149G>A

Gene: TPM3 (tropomyosin 3; minus strand). Cytogenetic location: 1q21.3.
Variant type: single nucleotide variant.
Coding change: c.*5149G>A on transcript NM_152263.4 (MANE Select); 5149 bases downstream of the stop codon, G replaced by A.
Molecular consequence: 3 prime UTR variant. On other transcripts: intron variant (12).
Genome position (GRCh38, 1-based): chr1:154,162,788, C>T on the plus strand (G>A on the coding strand, the complement: TPM3 is on the minus strand). VCF-style: chr1-154162788-C-T. GRCh37 (hg19) VCF-style: chr1-154135264-C-T.
Other names: c.*5149G>A (NM_001364682.1, NM_001364683.1); c.776-5067G>A (NM_001364679.2, NM_001364680.2); c.776-3740G>A (NM_001364681.2); c.467-5067G>A (NM_001278188.2); c.665-5067G>A (NM_001043351.2, NM_153649.4); c.665-3740G>A (NM_001043353.2, NM_001043352.2); c.744-5067G>A (NM_001349679.2, NM_001278189.2); c.602-5067G>A (NM_001278190.2); and 1 more.
Identifiers: ClinVar variation 874761 (VCV000874761.4), dbSNP rs78002555, ClinGen allele CA30762944.